The following is an entry in ClinVar:

NM_198576.4(AGRN):c.5814C>T (p.Pro1938=)

Gene: AGRN (agrin; plus strand). Cytogenetic location: 1p36.33.
Variant type: single nucleotide variant.
Coding change: c.5814C>T on transcript NM_198576.4 (MANE Select); coding-DNA position 5814, C replaced by T.
Protein change: p.Pro1938=; no amino-acid change (proline 1938 retained).
Molecular consequence: synonymous variant.
Genome position (GRCh38, 1-based): chr1:1,053,915, C>T. VCF-style: chr1-1053915-C-T. GRCh37 (hg19) VCF-style: chr1-989295-C-T.
Other names: c.5883C>T, p.Pro1961= (NM_001305275.2); c.5511C>T, p.Pro1837= (NM_001364727.2).
Identifiers: ClinVar variation 474160 (VCV000474160.37), dbSNP rs369308183, ClinGen allele CA510236.

ClinVar aggregate classification (germline): Benign/Likely benign. Review status: criteria provided, multiple submitters, no conflicts (2 of 4 stars). 4 submissions from 4 submitters: Benign (2); Likely benign (2). Last evaluated 2026-01-17.

Conditions:
Congenital myasthenic syndrome 8. Also called: Myasthenic syndrome, congenital, 8, with pre- and postsynaptic defects; MYASTHENIC SYNDROME, CONGENITAL, DUE TO AGRIN DEFICIENCY. Identifiers: Orphanet 590, MedGen C3808739, MONDO:0014052, OMIM 615120.

Allele frequency attached by ClinVar (database versions not stated): TOPMed 0.00026; gnomAD 0.00048 and 0.00020; gnomAD exomes 0.00127; ESP Exome Variant Server 0.00015; 1000 Genomes Project 0.00140; 1000 Genomes Project 30x 0.00141; ExAC 0.00182.
gnomAD v4.1: 1,120 of 1,606,230 alleles (0.07%); highest among the groups gnomAD compares: South Asian, 0.86%; 13 homozygotes.

Submissions (4):

Labcorp Genetics (formerly Invitae), Labcorp
Classification: Benign for Congenital myasthenic syndrome 8. Last evaluated: 2026-01-17. Review status: criteria provided, single submitter. Criteria: Invitae Variant Classification Sherloc (09022015). Collection method: clinical testing. Allele origin: germline.

Blueprint Genetics
Classification: Likely benign. Last evaluated: 2024-10-23. Review status: criteria provided, single submitter. Criteria: ACMG Guidelines, 2015. Collection method: clinical testing. Allele origin: germline.

CeGaT Center for Human Genetics Tuebingen
Classification: Likely benign. Last evaluated: 2022-07-01. Review status: criteria provided, single submitter. Criteria: CeGaT Center For Human Genetics Tuebingen Variant Classification Criteria Version 2. Collection method: clinical testing. Allele origin: germline. Affected: yes. Observed: 1 variant allele.
Comment: AGRN: BP4, BP7

Breakthrough Genomics
Classification: Benign. Review status: criteria provided, single submitter. Criteria: ACMG Guidelines, 2015. Collection method: not provided. Allele origin: germline. Inheritance: Autosomal recessive inheritance. Affected: yes.